The following is an entry in ClinVar:

ClinVar aggregate classification (germline): Uncertain significance (1 of 4 stars; one submission).

Submission:

Dasa
Classification: Uncertain significance. Last evaluated: 2025-06-24. Review status: criteria provided, single submitter. Criteria: DASA Assertion Criteria. Collection method: clinical testing. Allele origin: germline.
Comment: NM_000827.4(GRIA1):c.2010G>C (p.Lys670Asn) is a missense variant that results in the substitution of lysine with asparagine. Multiple computational predictions support a deleterious effect on the gene or gene product. The variant is present at low frequency in population datasets. Based on the available data, this variant is classified as variant of uncertain significance.

NM_000827.4(GRIA1):c.2010G>C (p.Lys670Asn)

Gene: GRIA1 (glutamate ionotropic receptor AMPA type subunit 1; plus strand). Cytogenetic location: 5q33.2.
Variant type: single nucleotide variant.
Coding change: c.2010G>C on transcript NM_000827.4 (MANE Select); coding-DNA position 2010, G replaced by C.
Protein change: p.Lys670Asn; replaces lysine 670 with asparagine.
Molecular consequence: missense variant. On other transcripts: non-coding transcript variant (2).
Genome position (GRCh38, 1-based): chr5:153,764,620, G>C. VCF-style: chr5-153764620-G-C. GRCh37 (hg19) VCF-style: chr5-153144180-G-C.
Other names: c.2010G>C, p.Lys670Asn (NM_001114183.2); c.1770G>C, p.Lys590Asn (NM_001258019.2); c.1725G>C, p.Lys575Asn (NM_001258020.2); c.2040G>C, p.Lys680Asn (NM_001258021.2, NM_001258022.2); c.1803G>C, p.Lys601Asn (NM_001258023.1, NM_001364167.2); c.1842G>C, p.Lys614Asn (NM_001364165.2); c.2037G>C, p.Lys679Asn (NM_001364166.2); short protein forms K575N, K590N, K601N, K614N, K670N, K679N, K680N.
Identifiers: ClinVar variation 4851806 (VCV004851806.1).